The following is an entry in ClinVar:

ClinVar aggregate classification (germline): Uncertain significance (1 of 4 stars; one submission).

Conditions:
DNA ligase IV deficiency. Identifiers: Orphanet 99812, MedGen C1847827, MONDO:0011686, OMIM 606593.

Allele frequency attached by ClinVar (database versions not stated): gnomAD exomes below 0.00001; ExAC 0.00001.
gnomAD v4.1: 1 of 1,613,032 alleles (0.000062%); highest among the groups gnomAD compares: Non-Finnish European, 0.000085%; no homozygotes.

Submission:

Labcorp Genetics (formerly Invitae), Labcorp
Classification: Uncertain significance for DNA ligase IV deficiency. Last evaluated: 2023-10-09. Review status: criteria provided, single submitter. Criteria: Invitae Variant Classification Sherloc (09022015). Collection method: clinical testing. Allele origin: germline.
Comment: This sequence change replaces histidine, which is basic and polar, with arginine, which is basic and polar, at codon 258 of the LIG4 protein (p.His258Arg). This variant is present in population databases (rs777662030, gnomAD 0.0009%). This variant has not been reported in the literature in individuals affected with LIG4-related conditions. Advanced modeling of protein sequence and biophysical properties (such as structural, functional, and spatial information, amino acid conservation, physicochemical variation, residue mobility, and thermodynamic stability) performed at Invitae indicates that this missense variant is not expected to disrupt LIG4 protein function. In summary, the available evidence is currently insufficient to determine the role of this variant in disease. Therefore, it has been classified as a Variant of Uncertain Significance.

NM_206937.2(LIG4):c.773A>G (p.His258Arg)

Gene: LIG4 (DNA ligase 4; minus strand). Cytogenetic location: 13q33.3.
Variant type: single nucleotide variant.
Coding change: c.773A>G on transcript NM_206937.2 (MANE Select); coding-DNA position 773, A replaced by G.
Protein change: p.His258Arg; replaces histidine 258 with arginine.
Molecular consequence: missense variant.
Genome position (GRCh38, 1-based): chr13:108,210,496, T>C on the plus strand (A>G on the coding strand, the complement: LIG4 is on the minus strand). VCF-style: chr13-108210496-T-C. GRCh37 (hg19) VCF-style: chr13-108862844-T-C.
Other names: c.773A>G, p.His258Arg (NM_001098268.2, NM_001352598.2, NM_001352599.2 and 6 more transcripts); c.572A>G, p.His191Arg (NM_001330595.2); c.809A>G, p.His270Arg (NM_001352604.2); short protein forms H191R, H258R, H270R.
Identifiers: ClinVar variation 2989863 (VCV002989863.3), dbSNP rs777662030, ClinGen allele CA7043798.